The following is an entry in ClinVar:

ClinVar aggregate classification (germline): Benign/Likely benign. Review status: criteria provided, multiple submitters, no conflicts (2 of 4 stars). 4 submissions from 4 submitters: Benign (1); Likely benign (1). 2 of the submissions do not count toward it. Last evaluated 2026-02-01.

Conditions:
CIITA-related disorder. Also called: CIITA-related condition.
MHC class II deficiency. Also called: BLS, TYPE II; Bare lymphocyte syndrome 2. Identifiers: Orphanet 572, MedGen C5447452, MONDO:0008855.

Submissions (4):

Labcorp Genetics (formerly Invitae), Labcorp
Classification: Benign for MHC class II deficiency. Last evaluated: 2026-02-01. Review status: criteria provided, single submitter. Criteria: Invitae Variant Classification Sherloc (09022015). Collection method: clinical testing. Allele origin: germline.

Blueprint Genetics
Classification: Likely benign. Last evaluated: 2022-07-13. Review status: criteria provided, single submitter. Criteria: ACMG Guidelines, 2015. Collection method: clinical testing. Allele origin: germline.

Natera, Inc.
Classification: Benign for Bare lymphocyte syndrome type II. Last evaluated: 2020-09-16. Review status: no assertion criteria provided. Collection method: clinical testing. Allele origin: germline. Not counted in ClinVar's aggregate classification.

PreventionGenetics, part of Exact Sciences
Classification: Likely benign for CIITA-related condition. Last evaluated: 2019-06-27. Review status: no assertion criteria provided. Collection method: clinical testing. Allele origin: germline. Not counted in ClinVar's aggregate classification.
Comment: This variant is classified as likely benign based on ACMG/AMP sequence variant interpretation guidelines (Richards et al. 2015 PMID: 25741868, with internal and published modifications).

NM_000246.4(CIITA):c.3233+8_3233+9del

Gene: CIITA (class II major histocompatibility complex transactivator; plus strand). Cytogenetic location: 16p13.13.
Variant type: Microsatellite.
Coding change: c.3233+8_3233+9del on transcript NM_000246.4 (MANE Select); bases 8 to 9 of the intron after coding-DNA position 3233, 2 bases deleted (TG; older notation c.3233+8_3233+9delTG).
Molecular consequence: intron variant.
Genome position (GRCh38, 1-based): chr16:10,922,258-10,922,259, TG deleted; deleting any 2 consecutive bases within chr16:10,922,255-10,922,259 gives the same sequence; the c. name uses the placement nearest the transcript's 3' end. VCF-style (leftmost placement, unchanged base first): chr16-10922254-AGT-A. GRCh37 (hg19) VCF-style: chr16-11016111-AGT-A.
Other names: c.3236+8_3236+9del (NM_001286402.1, NM_001379332.1); c.3089+8_3089+9del (NM_001379330.1); c.3233+8_3233+9del (NM_001379333.1); c.3086+8_3086+9del (NM_001379331.1); c.1481+8_1481+9del (NM_001286403.2); c.3164+8_3164+9del (NM_001379334.1); c.3233+8_3233+9delTG (NM_000246.3).
Identifiers: ClinVar variation 778500 (VCV000778500.14), dbSNP rs774399663, ClinGen allele CA7900730.